The following is an entry in ClinVar:

NM_021098.3(CACNA1H):c.4321T>A (p.Phe1441Ile)

Gene: CACNA1H (calcium voltage-gated channel subunit alpha1 H; plus strand). Cytogenetic location: 16p13.3.
Variant type: single nucleotide variant.
Coding change: c.4321T>A on transcript NM_021098.3 (MANE Select); coding-DNA position 4321, T replaced by A.
Protein change: p.Phe1441Ile; replaces phenylalanine 1441 with isoleucine.
Molecular consequence: missense variant.
Genome position (GRCh38, 1-based): chr16:1,211,265, T>A. VCF-style: chr16-1211265-T-A. GRCh37 (hg19) VCF-style: chr16-1261265-T-A.
Other names: c.4321T>A, p.Phe1441Ile (NM_001005407.2); short protein forms F1441I.
Identifiers: ClinVar variation 2103931 (VCV002103931.4), dbSNP rs2548704333, ClinGen allele CA394178484.
Genomic context (GRCh38, chr16:1,211,265, plus strand): 5'-GAGACGCTGATATCATCACTCAGGCCCATTGGGAACATCGTCCTCATCTGCTGCGCCTTC[T>A]TCATCATTTTTGGCATTTTGGGTGTGCAGGTGTGTGGCCCCCACGTGCCCGGGGGTCTGC-3'
Protein context (NP_066921.2, residues 1431-1451): GNIVLICCAF[Phe1441Ile]IIFGILGVQL

ClinVar aggregate classification (germline): Uncertain significance (1 of 4 stars; one submission).

Conditions:
Idiopathic generalized epilepsy. Also called: EIG; Generalised epilepsy. Identifiers: MedGen C0270850, MONDO:0005579, OMIM 600669.
Hyperaldosteronism, familial, type IV (HALD4). Also called: FH IV; ALDOSTERONISM, PRIMARY, AND HYPERTENSION. Identifiers: Orphanet 642671, MedGen C4310756, MONDO:0014875, OMIM 617027.

Submission:

Labcorp Genetics (formerly Invitae), Labcorp
Classification: Uncertain significance for Idiopathic generalized epilepsy; Hyperaldosteronism, familial, type IV. Last evaluated: 2022-02-27. Review status: criteria provided, single submitter. Criteria: Invitae Variant Classification Sherloc (09022015). Collection method: clinical testing. Allele origin: germline.
Comment: In summary, the available evidence is currently insufficient to determine the role of this variant in disease. Therefore, it has been classified as a Variant of Uncertain Significance. Algorithms developed to predict the effect of missense changes on protein structure and function are either unavailable or do not agree on the potential impact of this missense change (SIFT: "Deleterious"; PolyPhen-2: "Probably Damaging"; Align-GVGD: "Class C15"). This variant has not been reported in the literature in individuals affected with CACNA1H-related conditions. This variant is not present in population databases (gnomAD no frequency). This sequence change replaces phenylalanine, which is neutral and non-polar, with isoleucine, which is neutral and non-polar, at codon 1441 of the CACNA1H protein (p.Phe1441Ile).